The following is an entry in ClinVar:

ClinVar aggregate classification (germline): Uncertain significance (1 of 4 stars; one submission).

Conditions:
Idiopathic generalized epilepsy. Also called: Generalised epilepsy; EIG. Identifiers: MedGen C0270850, MONDO:0005579, OMIM 600669.
Hyperaldosteronism, familial, type IV (HALD4). Also called: FH IV; ALDOSTERONISM, PRIMARY, AND HYPERTENSION. Identifiers: Orphanet 642671, MedGen C4310756, MONDO:0014875, OMIM 617027.

gnomAD v4.1: 13 of 1,611,956 alleles (0.00081%); highest among the groups gnomAD compares: Admixed American, 0.0033%; no homozygotes.

Submission:

Labcorp Genetics (formerly Invitae), Labcorp
Classification: Uncertain significance for Idiopathic generalized epilepsy; Hyperaldosteronism, familial, type IV. Last evaluated: 2024-07-18. Review status: criteria provided, single submitter. Criteria: Invitae Variant Classification Sherloc (09022015). Collection method: clinical testing. Allele origin: germline.
Comment: This sequence change replaces alanine, which is neutral and non-polar, with threonine, which is neutral and polar, at codon 992 of the CACNA1H protein (p.Ala992Thr). The frequency data for this variant in the population databases is considered unreliable, as metrics indicate poor data quality at this position in the gnomAD database. This variant has not been reported in the literature in individuals affected with CACNA1H-related conditions. Advanced modeling of protein sequence and biophysical properties (such as structural, functional, and spatial information, amino acid conservation, physicochemical variation, residue mobility, and thermodynamic stability) performed at Invitae indicates that this missense variant is expected to disrupt CACNA1H protein function with a positive predictive value of 80%. In summary, the available evidence is currently insufficient to determine the role of this variant in disease. Therefore, it has been classified as a Variant of Uncertain Significance.

NM_021098.3(CACNA1H):c.2974G>A (p.Ala992Thr)

Gene: CACNA1H (calcium voltage-gated channel subunit alpha1 H; plus strand). Cytogenetic location: 16p13.3.
Variant type: single nucleotide variant.
Coding change: c.2974G>A on transcript NM_021098.3 (MANE Select); coding-DNA position 2974, G replaced by A.
Protein change: p.Ala992Thr; replaces alanine 992 with threonine.
Molecular consequence: missense variant.
Genome position (GRCh38, 1-based): chr16:1,207,341, G>A. VCF-style: chr16-1207341-G-A. GRCh37 (hg19) VCF-style: chr16-1257341-G-A.
Other names: c.2974G>A, p.Ala992Thr (NM_001005407.2); short protein forms A992T.
Identifiers: ClinVar variation 3752261 (VCV003752261.2).
Genomic context (GRCh38, chr16:1,207,341, plus strand): 5'-ACCCAGGAGGACTGGAACGTGGTCCTGTACAACGGCATGGCCTCCACCTCCTCCTGGGCC[G>A]CCCTCTACTTCGTGGCCCTCATGACCTTCGGCAACTATGTGCTCTTCAACCTGCTGGTGG-3'
Protein context (NP_066921.2, residues 982-1002): NGMASTSSWA[Ala992Thr]LYFVALMTFG